The following is an entry in ClinVar:

ClinVar aggregate classification (germline): Pathogenic (1 of 4 stars; one submission).

Conditions:
Fanconi anemia (FA). Also called: Fanconi's anemia. Identifiers: Orphanet 84, MedGen C0015625, MeSH D005199, MONDO:0019391.

Submission:

Labcorp Genetics (formerly Invitae), Labcorp
Classification: Pathogenic for Fanconi anemia. Last evaluated: 2024-03-06. Review status: criteria provided, single submitter. Criteria: Invitae Variant Classification Sherloc (09022015). Collection method: clinical testing. Allele origin: germline.
Comment: This sequence change affects the initiator methionine of the FANCL mRNA. The next in-frame methionine is located at codon 74. This variant is not present in population databases (gnomAD no frequency). Disruption of the initiator codon has been observed in individuals with clinical features of Fanconi anemia (PMID: 33727708; Invitae). ClinVar contains an entry for this variant (Variation ID: 936826). This variant disrupts the E2-like fold (ELF) domain of the FANCL protein, which is required for its interaction with the FANCB-FAAP100 complex as well as for non-covalent binding to ubiquitin (PMID: 26149689, 27986371). While functional studies have not been performed to directly test the effect of this variant on FANCL protein function, this suggests that disruption of this region of the protein is causative of disease. For these reasons, this variant has been classified as Pathogenic.

Literature cited by the submitters: PubMed 33727708; PubMed 26149689; PubMed 27986371.

NM_018062.4(FANCL):c.3G>A (p.Met1Ile)

Gene: FANCL (FA complementation group L; minus strand). Cytogenetic location: 2p16.1.
Variant type: single nucleotide variant.
Coding change: c.3G>A on transcript NM_018062.4 (MANE Select); coding-DNA position 3, G replaced by A.
Protein change: p.Met1Ile; changes the start codon (methionine 1).
Molecular consequence: missense variant, initiator codon variant.
Genome position (GRCh38, 1-based): chr2:58,241,311, C>T on the plus strand (G>A on the coding strand, the complement: FANCL is on the minus strand). VCF-style: chr2-58241311-C-T. GRCh37 (hg19) VCF-style: chr2-58468446-C-T.
Other names: c.3G>A, p.Met1Ile (NM_001114636.2, NM_001374615.1, NM_001410792.1); short protein forms M1I.
Identifiers: ClinVar variation 936826 (VCV000936826.10), dbSNP rs1694527909, ClinGen allele CA347035224.
Genomic context (GRCh38, chr2:58,241,311, plus strand): 5'-CGACCGGTTCTGGGGCAGAAGCAGGGGGCACTGGCGCAACAGGCTCGCTTCCGTCACCGC[C>T]ATGGCTCGAAGTCCGGAGAAACACAGAAAAGCTCTAGACCTGCTGGGTCCTGCACATGCG-3'
Protein context (NP_060532.2, residues 1-11): [Met1Ile]AVTEASLLRQ